The following is an entry in ClinVar:

NM_004415.4(DSP):c.4068T>G (p.Asp1356Glu)

Gene: DSP (desmoplakin; plus strand). Cytogenetic location: 6p24.3.
Variant type: single nucleotide variant.
Coding change: c.4068T>G on transcript NM_004415.4 (MANE Select); coding-DNA position 4068, T replaced by G.
Protein change: p.Asp1356Glu; replaces aspartic acid 1356 with glutamic acid.
Molecular consequence: missense variant. On other transcripts: intron variant (2).
Genome position (GRCh38, 1-based): chr6:7,580,258, T>G. VCF-style: chr6-7580258-T-G. GRCh37 (hg19) VCF-style: chr6-7580491-T-G.
Other names: c.4050+18T>G (NM_001319034.2); c.3582+486T>G (NM_001008844.3); short protein forms D1356E.
Identifiers: ClinVar variation 3073757 (VCV003073757.1), dbSNP rs1472418304, ClinGen allele CA362685479.

ClinVar aggregate classification (germline): Uncertain significance (1 of 4 stars; one submission).

Conditions:
Arrhythmogenic cardiomyopathy with wooly hair and keratoderma. Also called: PALMOPLANTAR KERATODERMA WITH LEFT VENTRICULAR CARDIOMYOPATHY AND WOOLLY HAIR; Carvajal syndrome; Dilated cardiomyopathy with woolly hair and keratoderma; Arrhythmogenic cardiomyopathy with woolly hair and keratoderma. Identifiers: Orphanet 65282, MedGen C1854063, MONDO:0011581, OMIM 605676.

Submission:

All of Us Research Program, National Institutes of Health
Classification: Uncertain significance for Arrhythmogenic cardiomyopathy with wooly hair and keratoderma. Last evaluated: 2023-10-06. Review status: criteria provided, single submitter. Criteria: ACMG Guidelines, 2015. Collection method: clinical testing. Allele origin: germline. Inheritance: Autosomal dominant inheritance. Observed: 1 variant allele, 1 heterozygote.
Comment: This missense variant replaces aspartic acid with glutamic acid at codon 1356 of the DSP protein. Computational prediction suggests that this variant may not impact protein structure and function (internally defined REVEL score threshold <= 0.5, PMID: 27666373). To our knowledge, functional studies have not been reported for this variant. This variant has not been reported in individuals affected with DSP-related disorders in the literature. This variant has not been identified in the general population by the Genome Aggregation Database (gnomAD). The available evidence is insufficient to determine the role of this variant in disease conclusively. Therefore, this variant is classified as a Variant of Uncertain Significance.

This study involves interpretation of variants in research participants for the purpose of population health screening. Participant phenotype was not available at the time of variant classification. Additional details can be found in publication PMID: 35346344, PMCID: PMC8962531